The following is an entry in ClinVar:

ClinVar aggregate classification (germline): Conflicting classifications of pathogenicity. Review status: criteria provided, conflicting classifications (1 of 4 stars). 23 submissions from 22 submitters: Uncertain significance (1); Benign (10); Likely benign (8). 4 of the submissions do not count toward it. Last evaluated 2026-10-15.

Conditions:
Hereditary cancer-predisposing syndrome. Also called: Hereditary Cancer Syndrome; Neoplastic Syndromes, Hereditary; Hereditary neoplastic syndrome; Tumor predisposition. Identifiers: Orphanet 140162, MedGen C0027672, MeSH D009386, MONDO:0015356.
Tuberous sclerosis syndrome (TSC). Also called: Tuberous Sclerosis Complex; Tuberous sclerosis. Identifiers: Orphanet 805, MedGen C0041341, MONDO:0001734.
Tuberous sclerosis 2 (TSC2). Identifiers: Orphanet 805, MedGen C1860707, MONDO:0013199, OMIM 613254.
Intellectual disability. Also called: Intellectual developmental disorder; Intellectual functioning disability; intellectual disabilities. Identifiers: MedGen C3714756, MeSH D008607, MONDO:0001071, HP:0001249.

Allele frequency attached by ClinVar (database versions not stated): gnomAD 0.00046 and 0.00043; ESP Exome Variant Server 0.00069; 1000 Genomes Project 30x 0.00031; TOPMed 0.00037; gnomAD exomes 0.00061 and 0.00072; ExAC 0.00070; 1000 Genomes Project 0.00040.
gnomAD v4.1: 1,121 of 1,610,850 alleles (0.07%); highest among the groups gnomAD compares: Non-Finnish European, 0.083%; 1 homozygote.

Submissions (23):

Cambridge Genomics Laboratory, East Genomic Laboratory Hub, NHS Genomic Medicine Service
Classification: Benign for Tuberous sclerosis. Last evaluated: 2026-10-15. Review status: criteria provided, single submitter. Criteria: ACGS Best Practice Guidelines for Variant Classification in Rare Disease 2020. Collection method: clinical testing. Allele origin: germline. Affected: yes.

Labcorp Genetics (formerly Invitae), Labcorp
Classification: Benign for Tuberous sclerosis 2. Last evaluated: 2026-02-03. Review status: criteria provided, single submitter. Criteria: Invitae Variant Classification Sherloc (09022015). Collection method: clinical testing. Allele origin: germline.

CeGaT Center for Human Genetics Tuebingen
Classification: Likely benign. Last evaluated: 2026-01-01. Review status: criteria provided, single submitter. Criteria: CeGaT Center For Human Genetics Tuebingen Variant Classification Criteria Version 2. Collection method: clinical testing. Allele origin: germline. Affected: yes. Observed: 8 variant alleles.
Comment: TSC2: BP4, BS2

Quest Diagnostics Nichols Institute San Juan Capistrano
Classification: Benign. Last evaluated: 2025-11-10. Review status: criteria provided, single submitter. Criteria: Quest Diagnostics criteria. Collection method: clinical testing. Allele origin: unknown.

Women's Health and Genetics/Laboratory Corporation of America, LabCorp
Classification: Benign. Last evaluated: 2025-07-24. Review status: criteria provided, single submitter. Criteria: LabCorp Variant Classification Summary - May 2015. Collection method: clinical testing. Allele origin: germline.
Comment: Variant summary: TSC2 c.3610+6G>A alters a nucleotide located close to a canonical splice site and therefore could affect mRNA splicing, leading to a significantly altered protein sequence. Consensus agreement among computation tools predict no significant impact on normal splicing. However, these predictions have yet to be confirmed by functional studies. The variant allele was found at a frequency of 0.00061 in 245996 control chromosomes. The observed variant frequency is approximately 9 fold of the estimated maximal expected allele frequency for a pathogenic variant in TSC2 causing Tuberous Sclerosis Complex phenotype (6.9e-05). To our knowledge, no occurrence of c.3610+6G>A in individuals affected with Tuberous Sclerosis Complex and no experimental evidence demonstrating its impact on protein function have been reported. ClinVar contains an entry for this variant (Variation ID: 49266). Based on the evidence outlined above, the variant was classified as benign.

Myriad Genetics, Inc.
Classification: Likely benign for Tuberous sclerosis 2. Last evaluated: 2025-05-29. Review status: criteria provided, single submitter. Criteria: Myriad Autosomal Dominant, Autosomal Recessive and X-Linked Classification Criteria (2023). Collection method: clinical testing. Allele origin: unknown.
Comment: This variant is considered likely benign. This variant is intronic and is not expected to impact mRNA splicing. This variant has been observed at a population frequency that is significantly greater than expected given the associated disease prevalence and penetrance.

Department of Pathology and Laboratory Medicine, Sinai Health System
Classification: Likely benign for tuberous sclerosis. Last evaluated: 2025-01-28. Review status: criteria provided, single submitter. Criteria: ACMG Guidelines, 2015. Collection method: clinical testing. Allele origin: germline.

Blueprint Genetics
Classification: Likely benign. Last evaluated: 2024-11-27. Review status: criteria provided, single submitter. Criteria: ACMG Guidelines, 2015. Collection method: clinical testing. Allele origin: germline.

All of Us Research Program, National Institutes of Health
Classification: Benign for Tuberous sclerosis syndrome. Last evaluated: 2024-02-05. Review status: criteria provided, single submitter. Criteria: ACMG Guidelines, 2015. Collection method: clinical testing. Allele origin: germline. Inheritance: Autosomal dominant inheritance. Observed: 123 variant alleles, 123 heterozygotes.
Comment: This study involves interpretation of variants in research participants for the purpose of population health screening. Participant phenotype was not available at the time of variant classification. Additional details can be found in publication PMID: 35346344, PMCID: PMC8962531

Color Diagnostics, LLC DBA Color Health
Classification: Benign for Tuberous sclerosis syndrome. Last evaluated: 2022-09-20. Review status: criteria provided, single submitter. Criteria: ACMG Guidelines, 2015. Collection method: clinical testing. Allele origin: germline.

ARUP Laboratories, Molecular Genetics and Genomics, ARUP Laboratories
Classification: Likely benign. Last evaluated: 2022-01-06. Review status: criteria provided, single submitter. Criteria: ARUP Molecular Germline Variant Investigation Process 2021. Collection method: clinical testing. Allele origin: germline.

Genome-Nilou Lab
Classification: Benign for Tuberous sclerosis 2. Last evaluated: 2021-11-07. Review status: criteria provided, single submitter. Criteria: ACMG Guidelines, 2015. Collection method: clinical testing. Allele origin: germline. Affected: no.

Ambry Genetics
Classification: Likely benign for Hereditary cancer-predisposing syndrome. Last evaluated: 2021-08-09. Review status: criteria provided, single submitter. Criteria: Ambry Variant Classification Scheme 2023. Collection method: clinical testing. Allele origin: germline.

Sema4
Classification: Benign for Hereditary cancer-predisposing syndrome. Last evaluated: 2021-01-13. Review status: criteria provided, single submitter. Criteria: Sema4 Curation Guidelines. Collection method: curation. Allele origin: germline.

Cambridge Genomics Laboratory, East Genomic Laboratory Hub, NHS Genomic Medicine Service
Classification: Benign for Intellectual disability. Last evaluated: 2020-03-09. Review status: criteria provided, single submitter. Criteria: ACGS Best Practice Guidelines for Variant Classification in Rare Disease 2020. Collection method: clinical testing. Allele origin: germline. Affected: yes. Observed: 1 variant allele.

Illumina Laboratory Services, Illumina
Classification: Likely benign for Tuberous sclerosis syndrome. Last evaluated: 2019-02-19. Review status: criteria provided, single submitter. Criteria: ICSL Variant Classification Criteria 13 December 2019. Collection method: clinical testing. Allele origin: germline.
Comment: This variant was observed as part of a predisposition screen in an ostensibly healthy population. A literature search was performed for the gene, cDNA change, and amino acid change (where applicable). No publications were found based on this search. Allele frequency data from public databases allowed determination this variant is unlikely to cause disease. Therefore, this variant is classified as likely benign.

Eurofins Ntd Llc (ga)
Classification: Uncertain significance. Last evaluated: 2016-06-07. Review status: criteria provided, single submitter. Criteria: EGL Classification Definitions 2015. Collection method: clinical testing. Allele origin: germline. Observed: 1 variant allele, 1 heterozygote.

GeneDx
Classification: Benign. Last evaluated: 2014-02-11. Review status: criteria provided, single submitter. Criteria: GeneDx Variant Classification (06012015). Collection method: clinical testing. Allele origin: germline. Affected: yes.
Comment: This variant is considered likely benign or benign based on one or more of the following criteria: it is a conservative change, it occurs at a poorly conserved position in the protein, it is predicted to be benign by multiple in silico algorithms, and/or has population frequency not consistent with disease.

PreventionGenetics, part of Exact Sciences
Classification: Likely benign. Review status: criteria provided, single submitter. Criteria: ACMG Guidelines, 2015. Collection method: clinical testing. Allele origin: germline.

Clinical Genetics DNA and cytogenetics Diagnostics Lab, Erasmus MC, Erasmus Medical Center
Classification: Benign. Review status: no assertion criteria provided. Collection method: clinical testing. Allele origin: germline. Affected: yes. Study: VKGL Data-share Consensus. Not counted in ClinVar's aggregate classification.

Clinical Genetics, Academic Medical Center
Classification: Likely benign. Review status: no assertion criteria provided. Collection method: clinical testing. Allele origin: germline. Affected: yes. Study: VKGL Data-share Consensus. Not counted in ClinVar's aggregate classification.

Diagnostic Laboratory, Department of Genetics, University Medical Center Groningen
Classification: Likely benign. Review status: no assertion criteria provided. Collection method: clinical testing. Allele origin: germline. Affected: yes. Study: VKGL Data-share Consensus. Not counted in ClinVar's aggregate classification.

Tuberous sclerosis database (TSC2)
No classification provided. Condition: TSC. Review status: no classification provided. Criteria: Tuberous Sclerosis Database Assertion Criteria 2015. Collection method: curation. Allele origin: germline. Affected: yes. Not counted in ClinVar's aggregate classification.

NM_000548.5(TSC2):c.3610+6G>A

Gene: TSC2 (TSC complex subunit 2; plus strand). Cytogenetic location: 16p13.3.
Variant type: single nucleotide variant.
Coding change: c.3610+6G>A on transcript NM_000548.5 (MANE Select); 6 bases into the intron after coding-DNA position 3610, G replaced by A.
Molecular consequence: intron variant.
Genome position (GRCh38, 1-based): chr16:2,080,383, G>A. VCF-style: chr16-2080383-G-A. GRCh37 (hg19) VCF-style: chr16-2130384-G-A.
Other names: c.3610+6G>A (NM_001114382.3); c.3481+6G>A (NM_021055.3, NM_001370405.1, NM_001363528.2); c.3478+6G>A (NM_001370404.1, NM_001077183.3); c.3370+6G>A (NM_001318827.2); c.2878+6G>A (NM_001318831.2); c.3334+6G>A (NM_001318829.2); c.3511+6G>A (NM_001318832.2).
Identifiers: ClinVar variation 49266 (VCV000049266.80), dbSNP rs45517301, ClinGen allele CA019357.